The following is an entry in ClinVar:

ClinVar aggregate classification (germline): Uncertain significance (1 of 4 stars; one submission).

Conditions:
Combined immunodeficiency due to DOCK8 deficiency (HIES2). Also called: HIES autosomal recessive; HYPER-IgE SYNDROME 2, AUTOSOMAL RECESSIVE, WITH RECURRENT INFECTIONS; DOCK8 Deficiency; Hyper-IgE recurrent infection syndrome, autosomal recessive; HYPER-IgE RECURRENT INFECTION SYNDROME 2, AUTOSOMAL RECESSIVE. Identifiers: Orphanet 217390, MedGen C4722305, MONDO:0009478, OMIM 243700.

gnomAD v4.1: 4 of 1,614,240 alleles (0.00025%); highest among the groups gnomAD compares: Non-Finnish European, 0.00034%; no homozygotes.

Submission:

Labcorp Genetics (formerly Invitae), Labcorp
Classification: Uncertain significance for Combined immunodeficiency due to DOCK8 deficiency. Last evaluated: 2024-08-04. Review status: criteria provided, single submitter. Criteria: Invitae Variant Classification Sherloc (09022015). Collection method: clinical testing. Allele origin: germline.
Comment: This sequence change replaces asparagine, which is neutral and polar, with serine, which is neutral and polar, at codon 226 of the DOCK8 protein (p.Asn226Ser). This variant is not present in population databases (gnomAD no frequency). This variant has not been reported in the literature in individuals affected with DOCK8-related conditions. Advanced modeling of protein sequence and biophysical properties (such as structural, functional, and spatial information, amino acid conservation, physicochemical variation, residue mobility, and thermodynamic stability) performed at Invitae indicates that this missense variant is not expected to disrupt DOCK8 protein function with a negative predictive value of 80%. In summary, the available evidence is currently insufficient to determine the role of this variant in disease. Therefore, it has been classified as a Variant of Uncertain Significance.

NM_203447.4(DOCK8):c.677A>G (p.Asn226Ser)

Gene: DOCK8 (dedicator of cytokinesis 8; plus strand). Cytogenetic location: 9p24.3.
Variant type: single nucleotide variant.
Coding change: c.677A>G on transcript NM_203447.4 (MANE Select); coding-DNA position 677, A replaced by G.
Protein change: p.Asn226Ser; replaces asparagine 226 with serine.
Molecular consequence: missense variant.
Genome position (GRCh38, 1-based): chr9:312,102, A>G. VCF-style: chr9-312102-A-G. GRCh37 (hg19) VCF-style: chr9-312102-A-G.
Other names: c.473A>G, p.Asn158Ser (NM_001190458.2, NM_001193536.2); short protein forms N226S, N158S.
Identifiers: ClinVar variation 3660748 (VCV003660748.2).